The following is an entry in ClinVar:

NM_080390.4(TCEAL2):c.575T>G (p.Leu192Trp)

Gene: TCEAL2 (transcription elongation factor A like 2; plus strand). Cytogenetic location: Xq22.1.
Variant type: single nucleotide variant.
Coding change: c.575T>G on transcript NM_080390.4 (MANE Select); coding-DNA position 575, T replaced by G.
Protein change: p.Leu192Trp; replaces leucine 192 with tryptophan.
Molecular consequence: missense variant.
Genome position (GRCh38, 1-based): chrX:102,127,405, T>G. VCF-style: chrX-102127405-T-G. GRCh37 (hg19) VCF-style: chrX-101382377-T-G.
Other names: short protein forms L192W.
Identifiers: ClinVar variation 5030573 (VCV005030573.1).

ClinVar aggregate classification (germline): Uncertain significance (1 of 4 stars; one submission).

gnomAD v4.1: 7 of 1,211,171 alleles (0.00058%); highest among the groups gnomAD compares: Non-Finnish European, 0.00078%; no homozygotes.

Submission:

Ambry Genetics
Classification: Uncertain significance. Last evaluated: 2026-08-27. Review status: criteria provided, single submitter. Criteria: Ambry Variant Classification Scheme 2023. Collection method: clinical testing. Allele origin: germline.
Comment: The c.575T>G (p.L192W) alteration is located in exon 3 (coding exon 1) of the TCEAL2 gene. This alteration results from a T to G substitution at nucleotide position 575, causing the leucine (L) at amino acid position 192 to be replaced by a tryptophan (W). Based on data from gnomAD, the G allele has an overall frequency of 0.001% (1/181487) total alleles studied. The highest observed frequency was 0.001% (1/81257) of European (non-Finnish) alleles. Based on insufficient or conflicting evidence, the clinical significance of this alteration remains unclear.